The following is an entry in ClinVar:

NM_001081.4(CUBN):c.4981A>G (p.Thr1661Ala)

Gene: CUBN (cubilin; minus strand). Cytogenetic location: 10p13.
Variant type: single nucleotide variant.
Coding change: c.4981A>G on transcript NM_001081.4 (MANE Select); coding-DNA position 4981, A replaced by G.
Protein change: p.Thr1661Ala; replaces threonine 1661 with alanine.
Molecular consequence: missense variant.
Genome position (GRCh38, 1-based): chr10:16,950,100, T>C on the plus strand (A>G on the coding strand, the complement: CUBN is on the minus strand). VCF-style: chr10-16950100-T-C. GRCh37 (hg19) VCF-style: chr10-16992099-T-C.
Other names: short protein forms T1661A.
Identifiers: ClinVar variation 3712974 (VCV003712974.2).
Genomic context (GRCh38, chr10:16,950,100, plus strand): 5'-CTACAAAGTCACGTGCACACGTTGTGCTTCTTTCAAGTTCAAAGTGGGTAAAAGAGAGGG[T>C]GATATGATTTACTGGAAGAAAAAAGAGAAGACTCTCTCGTAAAGTACTGGCAAATAAAAC-3'
Protein context (NP_001072.2, residues 1651-1671): IQAQPPLNHI[Thr1661Ala]LSFTHFELER

ClinVar aggregate classification (germline): Uncertain significance (1 of 4 stars; one submission).

Conditions:
Imerslund-Grasbeck syndrome. Also called: ENTEROCYTE COBALAMIN MALABSORPTION; ENTEROCYTE INTRINSIC FACTOR RECEPTOR, DEFECT OF; Imerslund-Gräsbeck syndrome; PERNICIOUS ANEMIA, JUVENILE, DUE TO SELECTIVE INTESTINAL MALABSORPTION OF VITAMIN B12, WITH PROTEINURIA; Megaloblastic anemia due to inborn errors of metabolism. Identifiers: Orphanet 35858, MedGen C4551825, MONDO:0009853.

Submission:

Labcorp Genetics (formerly Invitae), Labcorp
Classification: Uncertain significance for Imerslund-Grasbeck syndrome. Last evaluated: 2024-11-10. Review status: criteria provided, single submitter. Criteria: Invitae Variant Classification Sherloc (09022015). Collection method: clinical testing. Allele origin: germline.
Comment: This sequence change replaces threonine, which is neutral and polar, with alanine, which is neutral and non-polar, at codon 1661 of the CUBN protein (p.Thr1661Ala). This variant is not present in population databases (gnomAD no frequency). This variant has not been reported in the literature in individuals affected with CUBN-related conditions. Invitae Evidence Modeling of protein sequence and biophysical properties (such as structural, functional, and spatial information, amino acid conservation, physicochemical variation, residue mobility, and thermodynamic stability) indicates that this missense variant is not expected to disrupt CUBN protein function with a negative predictive value of 80%. In summary, the available evidence is currently insufficient to determine the role of this variant in disease. Therefore, it has been classified as a Variant of Uncertain Significance.